The following is an entry in ClinVar:

NM_001378418.1(TCF20):c.2146G>T (p.Ala716Ser)

Gene: TCF20 (transcription factor 20; minus strand). Cytogenetic location: 22q13.2.
Variant type: single nucleotide variant.
Coding change: c.2146G>T on transcript NM_001378418.1 (MANE Select); coding-DNA position 2146, G replaced by T.
Protein change: p.Ala716Ser; replaces alanine 716 with serine.
Molecular consequence: missense variant.
Genome position (GRCh38, 1-based): chr22:42,213,160, C>A on the plus strand (G>T on the coding strand, the complement: TCF20 is on the minus strand). VCF-style: chr22-42213160-C-A. GRCh37 (hg19) VCF-style: chr22-42609166-C-A.
Other names: c.2146G>T, p.Ala716Ser (NM_005650.4, NM_181492.3); short protein forms A716S.
Identifiers: ClinVar variation 3695883 (VCV003695883.3).

ClinVar aggregate classification (germline): Uncertain significance. Review status: criteria provided, multiple submitters, no conflicts (2 of 4 stars). 2 submissions from 2 submitters: Uncertain significance (2). Last evaluated 2025-08-10.

gnomAD v4.1: 4 of 1,614,210 alleles (0.00025%); no homozygotes.

Submissions (2):

Labcorp Genetics (formerly Invitae), Labcorp
Classification: Uncertain significance. Last evaluated: 2025-08-10. Review status: criteria provided, single submitter. Criteria: Invitae Variant Classification Sherloc (09022015). Collection method: clinical testing. Allele origin: germline.
Comment: This sequence change replaces alanine, which is neutral and non-polar, with serine, which is neutral and polar, at codon 716 of the TCF20 protein (p.Ala716Ser). This variant is not present in population databases (gnomAD no frequency). This variant has not been reported in the literature in individuals affected with TCF20-related conditions. ClinVar contains an entry for this variant (Variation ID: 3695883). An algorithm developed to predict the effect of missense changes on protein structure and function (PolyPhen-2) suggests that this variant is likely to be tolerated. In summary, the available evidence is currently insufficient to determine the role of this variant in disease. Therefore, it has been classified as a Variant of Uncertain Significance.

Blueprint Genetics
Classification: Uncertain significance. Last evaluated: 2020-09-18. Review status: criteria provided, single submitter. Criteria: ACMG Guidelines, 2015. Collection method: clinical testing. Allele origin: germline.